The following is an entry in ClinVar:

ClinVar aggregate classification (germline): Uncertain significance. Review status: criteria provided, multiple submitters, no conflicts (2 of 4 stars). 2 submissions from 2 submitters: Uncertain significance (2). Last evaluated 2024-08-05.

Conditions:
Inborn genetic diseases. Identifiers: MedGen C0950123, MeSH D030342.

Allele frequency attached by ClinVar (database versions not stated): gnomAD 0.00001; gnomAD exomes 0.00001; TOPMed 0.00002.
gnomAD v4.1: 12 of 1,613,826 alleles (0.00074%); highest among the groups gnomAD compares: Admixed American, 0.0033%; no homozygotes.

Submissions (2):

Ambry Genetics
Classification: Uncertain significance for Inborn genetic diseases. Last evaluated: 2024-08-05. Review status: criteria provided, single submitter. Criteria: Ambry Variant Classification Scheme 2023. Collection method: clinical testing. Allele origin: germline.

Labcorp Genetics (formerly Invitae), Labcorp
Classification: Uncertain significance. Last evaluated: 2022-07-14. Review status: criteria provided, single submitter. Criteria: Invitae Variant Classification Sherloc (09022015). Collection method: clinical testing. Allele origin: germline.
Comment: In summary, the available evidence is currently insufficient to determine the role of this variant in disease. Therefore, it has been classified as a Variant of Uncertain Significance. Algorithms developed to predict the effect of missense changes on protein structure and function (SIFT, PolyPhen-2, Align-GVGD) all suggest that this variant is likely to be tolerated. This variant has not been reported in the literature in individuals affected with DOCK6-related conditions. This variant is present in population databases (rs766434870, gnomAD 0.004%). This sequence change replaces arginine, which is basic and polar, with glutamine, which is neutral and polar, at codon 1337 of the DOCK6 protein (p.Arg1337Gln).

NM_020812.4(DOCK6):c.4010G>A (p.Arg1337Gln)

Genes: DOCK6 (dedicator of cytokinesis 6; minus strand), DOCK6-AS1 (DOCK6 antisense RNA 1; plus strand). Cytogenetic location: 19p13.2.
Variant type: single nucleotide variant.
Coding change: c.4010G>A on transcript NM_020812.4 (MANE Select); coding-DNA position 4010, G replaced by A.
Protein change: p.Arg1337Gln; replaces arginine 1337 with glutamine.
Molecular consequence: missense variant.
Genome position (GRCh38, 1-based): chr19:11,215,812, C>T on the plus strand (G>A on the coding strand, the complement: DOCK6 is on the minus strand). VCF-style: chr19-11215812-C-T. GRCh37 (hg19) VCF-style: chr19-11326488-C-T.
Other names: c.4115G>A, p.Arg1372Gln (NM_001367830.1); c.4010G>A (NM_020812.2); short protein forms R1372Q, R1337Q.
Identifiers: ClinVar variation 1920271 (VCV001920271.4), dbSNP rs766434870, ClinGen allele CA305312713.